The following is an entry in ClinVar:

NM_005219.5(DIAPH1):c.413A>G (p.Gln138Arg)

Gene: DIAPH1 (diaphanous related formin 1; minus strand). Cytogenetic location: 5q31.3.
Variant type: single nucleotide variant.
Coding change: c.413A>G on transcript NM_005219.5 (MANE Select); coding-DNA position 413, A replaced by G.
Protein change: p.Gln138Arg; replaces glutamine 138 with arginine.
Molecular consequence: missense variant.
Genome position (GRCh38, 1-based): chr5:141,583,605, T>C on the plus strand (A>G on the coding strand, the complement: DIAPH1 is on the minus strand). VCF-style: chr5-141583605-T-C. GRCh37 (hg19) VCF-style: chr5-140963172-T-C.
Other names: c.386A>G, p.Gln129Arg (NM_001079812.3); c.413A>G, p.Gln138Arg (NM_001314007.2); short protein forms Q129R, Q138R.
Identifiers: ClinVar variation 1055147 (VCV001055147.9), dbSNP rs1337954890, ClinGen allele CA361542362.
Genomic context (GRCh38, chr5:141,583,605, plus strand): 5'-TCCCGCAAGCCTGACCTCAACTCCTGAATATACATCATGGCAGACTTAGAGCTCTCCTTC[T>C]GGCTCATGCCCTAGACAGAAGGCATAGACAGAGATTAGTAATGGTGGACCCAGTCATAAA-3'
Protein context (NP_005210.3, residues 128-148): YLYTSKAGMS[Gln138Arg]KESSKSAMMY

ClinVar aggregate classification (germline): Uncertain significance (1 of 4 stars; one submission).

Conditions:
Autosomal dominant nonsyndromic hearing loss 1. Also called: KONIGSMARK SYNDROME; DEAFNESS, AUTOSOMAL DOMINANT 1, WITH OR WITHOUT THROMBOCYTOPENIA. Identifiers: Orphanet 90635, MedGen C1852282, MONDO:0007424, OMIM 124900.
Progressive microcephaly-seizures-cortical blindness-developmental delay syndrome. Also called: Seizures, cortical blindness, and microcephaly syndrome. Identifiers: Orphanet 477814, MedGen C5567650, MONDO:0014714, OMIM 616632.

Allele frequency attached by ClinVar (database versions not stated): gnomAD exomes below 0.00001.
gnomAD v4.1: 2 of 1,614,268 alleles (0.00012%); highest among the groups gnomAD compares: Admixed American, 0.0033%; no homozygotes.

Submission:

Labcorp Genetics (formerly Invitae), Labcorp
Classification: Uncertain significance for Progressive microcephaly-seizures-cortical blindness-developmental delay syndrome; Autosomal dominant nonsyndromic hearing loss 1. Last evaluated: 2024-06-17. Review status: criteria provided, single submitter. Criteria: Invitae Variant Classification Sherloc (09022015). Collection method: clinical testing. Allele origin: germline.
Comment: This sequence change replaces glutamine, which is neutral and polar, with arginine, which is basic and polar, at codon 138 of the DIAPH1 protein (p.Gln138Arg). This variant is present in population databases (no rsID available, gnomAD 0.003%). This variant has not been reported in the literature in individuals affected with DIAPH1-related conditions. ClinVar contains an entry for this variant (Variation ID: 1055147). Experimental studies and prediction algorithms are not available or were not evaluated, and the functional significance of this variant is currently unknown. In summary, the available evidence is currently insufficient to determine the role of this variant in disease. Therefore, it has been classified as a Variant of Uncertain Significance.